The following is an entry in ClinVar:

ClinVar aggregate classification (germline): Uncertain significance (1 of 4 stars; one submission).

Conditions:
Long QT syndrome (LQTS). Identifiers: MedGen C0023976, MeSH D008133, MONDO:0002442. Disease mechanism: loss of function. Inheritance: Various modes of inheritance.

Submission:

Labcorp Genetics (formerly Invitae), Labcorp
Classification: Uncertain significance for Long QT syndrome. Last evaluated: 2022-03-19. Review status: criteria provided, single submitter. Criteria: Invitae Variant Classification Sherloc (09022015). Collection method: clinical testing. Allele origin: germline.
Comment: In summary, the available evidence is currently insufficient to determine the role of this variant in disease. Therefore, it has been classified as a Variant of Uncertain Significance. Algorithms developed to predict the effect of missense changes on protein structure and function (SIFT, PolyPhen-2, Align-GVGD) all suggest that this variant is likely to be disruptive. ClinVar contains an entry for this variant (Variation ID: 863289). This variant has not been reported in the literature in individuals affected with CACNA1C-related conditions. This variant is not present in population databases (gnomAD no frequency). This sequence change replaces asparagine, which is neutral and polar, with histidine, which is basic and polar, at codon 1478 of the CACNA1C protein (p.Asn1478His).

NM_000719.7(CACNA1C):c.4432A>C (p.Asn1478His)

Gene: CACNA1C (calcium voltage-gated channel subunit alpha1 C; plus strand). Cytogenetic location: 12p13.33.
Variant type: single nucleotide variant.
Coding change: c.4432A>C on transcript NM_000719.7 (MANE Select); coding-DNA position 4432, A replaced by C.
Protein change: p.Asn1478His; replaces asparagine 1478 with histidine.
Molecular consequence: missense variant.
Genome position (GRCh38, 1-based): chr12:2,665,614, A>C. VCF-style: chr12-2665614-A-C. GRCh37 (hg19) VCF-style: chr12-2774780-A-C.
Other names: c.4576A>C, p.Asn1526His (NM_001129827.2, NM_199460.4); c.4498A>C, p.Asn1500His (NM_001129829.2); c.4432A>C, p.Asn1478His (NM_001129830.3, NM_001129833.2, NM_001129834.2 and 7 more transcripts); c.4516A>C, p.Asn1506His (NM_001129831.2); c.4492A>C, p.Asn1498His (NM_001129832.2); c.4483A>C, p.Asn1495His (NM_001129836.2); c.4399A>C, p.Asn1467His (NM_001129837.2, NM_001129838.2, NM_001129846.2 and 1 more transcripts); c.4393A>C, p.Asn1465His (NM_001129839.2); and 1 more; short protein forms N1506H, N1526H, N1495H, N1465H, N1467H, N1498H, N1475H, N1478H.
Identifiers: ClinVar variation 863289 (VCV000863289.10), dbSNP rs2096050552, ClinGen allele CA383376168.